The following is an entry in ClinVar:

NM_001540.5(HSPB1):c.37G>A (p.Gly13Ser)

Gene: HSPB1 (heat shock protein family B (small) member 1; plus strand). Cytogenetic location: 7q11.23.
Variant type: single nucleotide variant.
Coding change: c.37G>A on transcript NM_001540.5 (MANE Select); coding-DNA position 37, G replaced by A.
Protein change: p.Gly13Ser; replaces glycine 13 with serine.
Molecular consequence: missense variant.
Genome position (GRCh38, 1-based): chr7:76,302,749, G>A. VCF-style: chr7-76302749-G-A. GRCh37 (hg19) VCF-style: chr7-75932066-G-A.
Other names: c.37G>A (LRG_248t1); short protein forms G13S.
Identifiers: ClinVar variation 570184 (VCV000570184.8), dbSNP rs1475184454, ClinGen allele CA367762761.

ClinVar aggregate classification (germline): Uncertain significance (1 of 4 stars; one submission).

Conditions:
Charcot-Marie-Tooth disease axonal type 2F (CMT2F). Also called: Charcot-Marie-Tooth Neuropathy Type 2F; CHARCOT-MARIE-TOOTH DISEASE, NEURONAL, TYPE 2F. Identifiers: Orphanet 99940, MedGen C1847823, MONDO:0011687, OMIM 606595.

Allele frequency attached by ClinVar (database versions not stated): gnomAD exomes 0.00001.

Submission:

Labcorp Genetics (formerly Invitae), Labcorp
Classification: Uncertain significance for Charcot-Marie-Tooth disease axonal type 2F. Last evaluated: 2018-05-31. Review status: criteria provided, single submitter. Criteria: Invitae Variant Classification Sherloc (09022015). Collection method: clinical testing. Allele origin: germline.
Comment: This sequence change replaces glycine with serine at codon 13 of the HSPB1 protein (p.Gly13Ser). The glycine residue is weakly conserved and there is a small physicochemical difference between glycine and serine. In summary, the available evidence is currently insufficient to determine the role of this variant in disease. Therefore, it has been classified as a Variant of Uncertain Significance. Algorithms developed to predict the effect of missense changes on protein structure and function output the following: SIFT: "Tolerated"; PolyPhen-2: "Benign"; Align-GVGD: "Class C0". The serine amino acid residue is found in multiple mammalian species, suggesting that this missense change does not adversely affect protein function. These predictions have not been confirmed by published functional studies and their clinical significance is uncertain. This variant has not been reported in the literature in individuals with HSPB1-related disease. This variant is not present in population databases (ExAC no frequency).